The following is an entry in ClinVar:

NM_001190274.2(FBXO11):c.2299A>G (p.Ile767Val)

Gene: FBXO11 (F-box protein 11; minus strand). Cytogenetic location: 2p16.3.
Variant type: single nucleotide variant.
Coding change: c.2299A>G on transcript NM_001190274.2 (MANE Select); coding-DNA position 2299, A replaced by G.
Protein change: p.Ile767Val; replaces isoleucine 767 with valine.
Molecular consequence: missense variant.
Genome position (GRCh38, 1-based): chr2:47,810,355, T>C on the plus strand (A>G on the coding strand, the complement: FBXO11 is on the minus strand). VCF-style: chr2-47810355-T-C. GRCh37 (hg19) VCF-style: chr2-48037494-T-C.
Other names: c.2047A>G, p.Ile683Val (NM_001374325.1, NM_025133.4); short protein forms I683V, I767V.
Identifiers: ClinVar variation 1428560 (VCV001428560.8), dbSNP rs200424223, ClinGen allele CA1649556.

ClinVar aggregate classification (germline): Uncertain significance (1 of 4 stars; one submission).

Allele frequency attached by ClinVar (database versions not stated): gnomAD exomes 0.00001 and 0.00003; ExAC 0.00002; gnomAD 0.00002; TOPMed 0.00004.
gnomAD v4.1: 42 of 1,609,706 alleles (0.0026%); highest among the groups gnomAD compares: East Asian, 0.0067%; no homozygotes.

Submission:

Labcorp Genetics (formerly Invitae), Labcorp
Classification: Uncertain significance. Last evaluated: 2024-10-29. Review status: criteria provided, single submitter. Criteria: Invitae Variant Classification Sherloc (09022015). Collection method: clinical testing. Allele origin: germline.
Comment: This sequence change replaces isoleucine, which is neutral and non-polar, with valine, which is neutral and non-polar, at codon 767 of the FBXO11 protein (p.Ile767Val). This variant is present in population databases (rs200424223, gnomAD 0.008%). This variant has not been reported in the literature in individuals affected with FBXO11-related conditions. ClinVar contains an entry for this variant (Variation ID: 1428560). An algorithm developed to predict the effect of missense changes on protein structure and function outputs the following: PolyPhen-2: "Benign". The valine amino acid residue is found in multiple mammalian species, which suggests that this missense change does not adversely affect protein function. In summary, the available evidence is currently insufficient to determine the role of this variant in disease. Therefore, it has been classified as a Variant of Uncertain Significance.